The following is an entry in ClinVar:

NM_005359.6(SMAD4):c.1308+9C>A

Gene: SMAD4 (SMAD family member 4; plus strand). Cytogenetic location: 18q21.2.
Variant type: single nucleotide variant.
Coding change: c.1308+9C>A on transcript NM_005359.6 (MANE Select); 9 bases into the intron after coding-DNA position 1308, C replaced by A.
Molecular consequence: intron variant.
Genome position (GRCh38, 1-based): chr18:51,067,196, C>A. VCF-style: chr18-51067196-C-A. GRCh37 (hg19) VCF-style: chr18-48593566-C-A.
Identifiers: ClinVar variation 384825 (VCV000384825.15), dbSNP rs1057522058, ClinGen allele CA16608766.

ClinVar aggregate classification (germline): Likely benign. Review status: criteria provided, multiple submitters, no conflicts (2 of 4 stars). 4 submissions from 4 submitters: Likely benign (4). Last evaluated 2025-03-21.

Conditions:
Juvenile polyposis syndrome (JPS). Identifiers: Orphanet 2929, MedGen C0345893, MONDO:0017380, OMIM 174900.
Hereditary cancer-predisposing syndrome. Also called: Neoplastic Syndromes, Hereditary; Hereditary Cancer Syndrome; Hereditary neoplastic syndrome; Tumor predisposition. Identifiers: Orphanet 140162, MedGen C0027672, MeSH D009386, MONDO:0015356.
Juvenile polyposis/hereditary hemorrhagic telangiectasia syndrome (JPHT). Also called: POLYPOSIS, GENERALIZED JUVENILE, WITH PULMONARY ARTERIOVENOUS MALFORMATION; TELANGIECTASIA, HEREDITARY HEMORRHAGIC, WITH JUVENILE POLYPOSIS COLI; Juvenile Polyposis Syndrome / Hereditary Hemorrhagic Telangiectasia (JPS/HHT); JP/HHT SYNDROME; JUVENILE POLYPOSIS WITH HEREDITARY HEMORRHAGIC TELANGIECTASIA. Identifiers: Orphanet 2929, MedGen C1832942, MONDO:0008278, OMIM 175050.

Submissions (4):

Myriad Genetics, Inc.
Classification: Likely benign for Juvenile polyposis/hereditary hemorrhagic telangiectasia syndrome. Last evaluated: 2025-03-21. Review status: criteria provided, single submitter. Criteria: Myriad Autosomal Dominant, Autosomal Recessive and X-Linked Classification Criteria (2023). Collection method: clinical testing. Allele origin: unknown.
Comment: This variant is considered likely benign. This variant is intronic and is not expected to impact mRNA splicing.

Labcorp Genetics (formerly Invitae), Labcorp
Classification: Likely benign for Juvenile polyposis syndrome. Last evaluated: 2024-11-29. Review status: criteria provided, single submitter. Criteria: Invitae Variant Classification Sherloc (09022015). Collection method: clinical testing. Allele origin: germline.

Color Diagnostics, LLC DBA Color Health
Classification: Likely benign for Hereditary cancer-predisposing syndrome. Last evaluated: 2017-06-09. Review status: criteria provided, single submitter. Criteria: ACMG Guidelines, 2015. Collection method: clinical testing. Allele origin: germline.

GeneDx
Classification: Likely benign. Last evaluated: 2016-03-14. Review status: criteria provided, single submitter. Criteria: GeneDx Variant Classification (06012015). Collection method: clinical testing. Allele origin: germline. Affected: yes.
Comment: This variant is considered likely benign or benign based on one or more of the following criteria: it is a conservative change, it occurs at a poorly conserved position in the protein, it is predicted to be benign by multiple in silico algorithms, and/or has population frequency not consistent with disease.